The following is an entry in ClinVar:

NM_022455.5(NSD1):c.7525G>T (p.Val2509Leu)

Gene: NSD1 (nuclear receptor binding SET domain protein 1; plus strand). Cytogenetic location: 5q35.3.
Variant type: single nucleotide variant.
Coding change: c.7525G>T on transcript NM_022455.5 (MANE Select); coding-DNA position 7525, G replaced by T.
Protein change: p.Val2509Leu; replaces valine 2509 with leucine.
Molecular consequence: missense variant.
Genome position (GRCh38, 1-based): chr5:177,294,893, G>T. VCF-style: chr5-177294893-G-T. GRCh37 (hg19) VCF-style: chr5-176721894-G-T.
Other names: c.6652G>T, p.Val2218Leu (NM_001365684.2, NM_001409308.1, NM_172349.5); c.7525G>T, p.Val2509Leu (NM_001409301.1, NM_001409302.1, NM_001409303.1); c.7105G>T, p.Val2369Leu (NM_001409304.1); c.6772G>T, p.Val2258Leu (NM_001409305.1); c.6763G>T, p.Val2255Leu (NM_001409306.1, NM_001409307.1); c.6403G>T, p.Val2135Leu (NM_001409309.1); short protein forms V2135L, V2218L, V2240L, V2255L, V2258L, V2369L, V2509L.
Identifiers: ClinVar variation 1712571 (VCV001712571.2), dbSNP rs199743122, ClinGen allele CA362332800.

ClinVar aggregate classification (germline): Uncertain significance (1 of 4 stars; one submission).

gnomAD v4.1: 2 of 1,613,770 alleles (0.00012%); highest among the groups gnomAD compares: Non-Finnish European, 0.00017%; no homozygotes.

Submission:

GeneDx
Classification: Uncertain significance. Last evaluated: 2022-04-25. Review status: criteria provided, single submitter. Criteria: GeneDx Variant Classification Process June 2021. Collection method: clinical testing. Allele origin: germline. Affected: yes.
Comment: Not observed at significant frequency in large population cohorts (gnomAD); In silico analysis supports that this missense variant does not alter protein structure/function; Has not been previously published as pathogenic or benign to our knowledge